The following is an entry in ClinVar:

NM_000089.4(COL1A2):c.2206G>C (p.Gly736Arg)

Gene: COL1A2 (collagen type I alpha 2 chain; plus strand). Cytogenetic location: 7q21.3.
Variant type: single nucleotide variant.
Coding change: c.2206G>C on transcript NM_000089.4 (MANE Select); coding-DNA position 2206, G replaced by C.
Protein change: p.Gly736Arg; replaces glycine 736 with arginine.
Molecular consequence: missense variant.
Genome position (GRCh38, 1-based): chr7:94,420,559, G>C. VCF-style: chr7-94420559-G-C. GRCh37 (hg19) VCF-style: chr7-94049871-G-C.
Other names: short protein forms G736R.
Identifiers: ClinVar variation 4613939 (VCV004613939.1).

ClinVar aggregate classification (germline): Likely pathogenic (1 of 4 stars; one submission).

Conditions:
Cardiovascular phenotype. Identifiers: MedGen CN230736.

Submission:

Ambry Genetics
Classification: Likely pathogenic for Cardiovascular phenotype. Last evaluated: 2025-10-09. Review status: criteria provided, single submitter. Criteria: Ambry Variant Classification Scheme 2023. Collection method: clinical testing. Allele origin: germline.
Comment: The c.2206G>C (p.G736R) alteration is located in exon 37 (coding exon 37) of the COL1A2 gene. This alteration results from a G to C substitution at nucleotide position 2206, causing the glycine (G) at amino acid position 736 to be replaced by an arginine (R). for autosomal dominant COL1A2-related osteogenesis imperfecta/overlap disorder; however, its clinical significance for autosomal recessive COL1A2-related cardiac valvular type Ehlers-Danlos syndrome and autosomal dominant COL1A2-related arthrochalasia type Ehlers-Danlos syndrome is uncertain. This variant was not reported in population-based cohorts in the Genome Aggregation Database (gnomAD). This variant was reported in individual(s) with features consistent with COL1A2-related osteogenesis imperfecta (Lin, 2024). This nucleotide position is highly conserved in available vertebrate species. The majority of pathogenic mutations identified to date in COL1A2 have involved the substitution of another amino acid for glycine within the triple-helical domain (Dalgleish, 1997; Marini, 2007; Bardai, 2016). Internal structural analysis indicates that this alteration disrupts the characteristic G-X-Y motif in theCOL1A2protein and inserts a bulky side chain into asterically-constrainedregion (Bella, 1994; Hohenester, 2008; Ambry internal data). This alteration is predicted to be deleterious by in silico analysis. Based on the available evidence, this alteration is classified as likely pathogenic.

Literature cited by the submitters: PubMed 7695699; PubMed 9016532; PubMed 17078022; PubMed 19011090; PubMed 27509835; PubMed 37270749.